The following is an entry in ClinVar:

ClinVar aggregate classification (germline): Conflicting classifications of pathogenicity. Review status: criteria provided, conflicting classifications (1 of 4 stars). 4 submissions from 4 submitters: Uncertain significance (3); Likely benign (1). Last evaluated 2026-06-10.

Conditions:
FGD4-related disorder. Also called: FGD4-related condition.
Inborn genetic diseases. Identifiers: MedGen C0950123, MeSH D030342.
Charcot-Marie-Tooth disease type 4. Also called: Charcot-Marie-Tooth, Type 4; Charcot-Marie-Tooth disease, type IV. Identifiers: Orphanet 64749, MedGen C4082197, MONDO:0018995.

Allele frequency attached by ClinVar (database versions not stated): gnomAD 0.00006 and 0.00011; TOPMed 0.00008; ESP Exome Variant Server 0.00015; gnomAD exomes 0.00018 and 0.00025; ExAC 0.00029.
gnomAD v4.1: 276 of 1,614,254 alleles (0.017%); highest among the groups gnomAD compares: Middle Eastern, 0.21%; 2 homozygotes.

Submissions (4):

Women's Health and Genetics/Laboratory Corporation of America, LabCorp
Classification: Uncertain significance. Last evaluated: 2026-06-10. Review status: criteria provided, single submitter. Criteria: LabCorp Variant Classification Summary - May 2015. Collection method: clinical testing. Allele origin: germline.
Comment: Variant summary: FGD4 c.397G>A (p.Asp133Asn) results in a conservative amino acid change in the encoded protein sequence. Algorithms developed to predict the effect of missense changes on protein structure and function all suggest that this variant is likely to be tolerated. The variant allele was found at a frequency of 0.00025 in 251472 control chromosomes. This frequency is not significantly higher than estimated for disease-causing variants in FGD4, allowing no conclusion about variant significance. c.397G>A has been observed in individual(s) affected with FGD4-related conditions (e.g. Volodarsky_2021). These report(s) do not provide unequivocal conclusions about association of the variant with disease. To our knowledge, no experimental evidence demonstrating an impact on protein function has been reported. The following publication has been ascertained in the context of this evaluation (PMID: 32376792). ClinVar contains an entry for this variant (Variation ID: 835639). Based on the evidence outlined above, the variant was classified as uncertain significance.

PreventionGenetics, part of Exact Sciences
Classification: Likely benign for FGD4-related condition. Last evaluated: 2025-10-15. Review status: criteria provided, single submitter. Criteria: ACMG Guidelines, 2015. Collection method: clinical testing. Allele origin: germline.
Comment: This variant is classified as likely benign based on ACMG/AMP sequence variant interpretation guidelines (Richards et al. 2015 PMID: 25741868, with internal and published modifications).

Ambry Genetics
Classification: Uncertain significance for Inborn genetic diseases. Last evaluated: 2023-05-12. Review status: criteria provided, single submitter. Criteria: Ambry Variant Classification Scheme 2023. Collection method: clinical testing. Allele origin: germline.

Labcorp Genetics (formerly Invitae), Labcorp
Classification: Uncertain significance for Charcot-Marie-Tooth disease type 4. Last evaluated: 2022-09-12. Review status: criteria provided, single submitter. Criteria: Invitae Variant Classification Sherloc (09022015). Collection method: clinical testing. Allele origin: germline.
Comment: This sequence change replaces aspartic acid, which is acidic and polar, with asparagine, which is neutral and polar, at codon 133 of the FGD4 protein (p.Asp133Asn). This variant is present in population databases (rs113416502, gnomAD 0.1%). This missense change has been observed in individual(s) with clinical features of FGD4-related conditions (PMID: 32376792). ClinVar contains an entry for this variant (Variation ID: 835639). Advanced modeling of protein sequence and biophysical properties (such as structural, functional, and spatial information, amino acid conservation, physicochemical variation, residue mobility, and thermodynamic stability) performed at Invitae indicates that this missense variant is not expected to disrupt FGD4 protein function. In summary, the available evidence is currently insufficient to determine the role of this variant in disease. Therefore, it has been classified as a Variant of Uncertain Significance.

Literature cited by the submitters: PubMed 32376792 (cited by 3 submitters).

NM_001370298.3(FGD4):c.808G>A (p.Asp270Asn)

Gene: FGD4 (FYVE, RhoGEF and PH domain containing 4; plus strand). Cytogenetic location: 12p11.21.
Variant type: single nucleotide variant.
Coding change: c.808G>A on transcript NM_001370298.3 (MANE Select); coding-DNA position 808, G replaced by A.
Protein change: p.Asp270Asn; replaces aspartic acid 270 with asparagine.
Molecular consequence: missense variant. On other transcripts: 5 prime UTR variant (2), non-coding transcript variant (1), intron variant (1).
Genome position (GRCh38, 1-based): chr12:32,582,264, G>A. VCF-style: chr12-32582264-G-A. GRCh37 (hg19) VCF-style: chr12-32735198-G-A.
Other names: c.652G>A, p.Asp218Asn (NM_001304481.2); c.-448G>A (NM_001304483.2); c.-755G>A (NM_001304484.2); c.118G>A, p.Asp40Asn (NM_001330373.2, NM_001330374.2, NM_001384130.1); c.808G>A, p.Asp270Asn (NM_001384126.1); c.397G>A, p.Asp133Asn (NM_001384127.1, NM_001384128.1, NM_001384131.1 and 3 more transcripts); c.49-16233G>A (NM_001370297.1); c.397G>A (NM_139241.2); short protein forms D133N, D218N, D40N, D270N.
Identifiers: ClinVar variation 835639 (VCV000835639.8), dbSNP rs113416502, ClinGen allele CA6506627.